The following is an entry in ClinVar:

ClinVar aggregate classification (germline): Uncertain significance. Review status: criteria provided, multiple submitters, no conflicts (2 of 4 stars). 2 submissions from 2 submitters: Uncertain significance (2). Last evaluated 2025-06-15.

Conditions:
Juvenile polyposis syndrome (JPS). Identifiers: Orphanet 2929, MedGen C0345893, MONDO:0017380, OMIM 174900.
Hereditary cancer-predisposing syndrome. Also called: Neoplastic Syndromes, Hereditary; Tumor predisposition; Hereditary neoplastic syndrome; Hereditary Cancer Syndrome. Identifiers: Orphanet 140162, MedGen C0027672, MeSH D009386, MONDO:0015356.

Submissions (2):

Labcorp Genetics (formerly Invitae), Labcorp
Classification: Uncertain significance for Juvenile polyposis syndrome. Last evaluated: 2025-06-15. Review status: criteria provided, single submitter. Criteria: Invitae Variant Classification Sherloc (09022015). Collection method: clinical testing. Allele origin: germline.
Comment: This sequence change replaces aspartic acid, which is acidic and polar, with glycine, which is neutral and non-polar, at codon 414 of the BMPR1A protein (p.Asp414Gly). This variant is not present in population databases (gnomAD no frequency). This variant has not been reported in the literature in individuals affected with BMPR1A-related conditions. ClinVar contains an entry for this variant (Variation ID: 1486946). Invitae Evidence Modeling of protein sequence and biophysical properties (such as structural, functional, and spatial information, amino acid conservation, physicochemical variation, residue mobility, and thermodynamic stability) indicates that this missense variant is not expected to disrupt BMPR1A protein function with a negative predictive value of 80%. In summary, the available evidence is currently insufficient to determine the role of this variant in disease. Therefore, it has been classified as a Variant of Uncertain Significance.

Ambry Genetics
Classification: Uncertain significance for Hereditary cancer-predisposing syndrome. Last evaluated: 2025-03-02. Review status: criteria provided, single submitter. Criteria: Ambry Variant Classification Scheme 2023. Collection method: clinical testing. Allele origin: germline.
Comment: The p.D414G variant (also known as c.1241A>G), located in coding exon 9 of the BMPR1A gene, results from an A to G substitution at nucleotide position 1241. The aspartic acid at codon 414 is replaced by glycine, an amino acid with similar properties. This amino acid position is highly conserved in available vertebrate species. In addition, the in silico prediction for this alteration is inconclusive. Based on the available evidence, the clinical significance of this variant remains unclear.

NM_004329.3(BMPR1A):c.1241A>G (p.Asp414Gly)

Gene: BMPR1A (bone morphogenetic protein receptor type 1A; plus strand). Cytogenetic location: 10q23.2.
Variant type: single nucleotide variant.
Coding change: c.1241A>G on transcript NM_004329.3 (MANE Select); coding-DNA position 1241, A replaced by G.
Protein change: p.Asp414Gly; replaces aspartic acid 414 with glycine.
Molecular consequence: missense variant.
Genome position (GRCh38, 1-based): chr10:86,921,594, A>G. VCF-style: chr10-86921594-A-G. GRCh37 (hg19) VCF-style: chr10-88681351-A-G.
Other names: short protein forms D414G.
Identifiers: ClinVar variation 1486946 (VCV001486946.11), dbSNP rs1409093791, ClinGen allele CA377462072.